The following is an entry in ClinVar:

ClinVar aggregate classification (germline): Pathogenic (1 of 4 stars; one submission).

Conditions:
Pyruvate carboxylase deficiency. Also called: ATAXIA WITH LACTIC ACIDOSIS II; LEIGH NECROTIZING ENCEPHALOPATHY DUE TO PYRUVATE CARBOXYLASE DEFICIENCY; LEIGH SYNDROME DUE TO PYRUVATE CARBOXYLASE DEFICIENCY; PC DEFICIENCY; Pyruvate Carboxylase Deficiency Disease. Identifiers: Orphanet 3008, MedGen C0034341, MONDO:0009949, OMIM 266150.

Submission:

Myriad Genetics, Inc.
Classification: Pathogenic for Pyruvate carboxylase deficiency. Last evaluated: 2026-03-25. Review status: criteria provided, single submitter. Criteria: Myriad Autosomal Dominant, Autosomal Recessive and X-Linked Classification Criteria (2023). Collection method: clinical testing. Allele origin: unknown.
Comment: NM_000920.3(PC):c.1213_1216dupATCC(R406Hfs*5) is expected to be pathogenic in the context of pyruvate carboxylase deficiency. This variant is predicted to lead to an abnormal or absent protein product due to the creation of a premature termination codon in PC, a gene where loss-of-function variants are known to be pathogenic. Please note: this variant was assessed in the context of healthy population screening.

NM_001040716.2(PC):c.1213_1216dup (p.Arg406fs)

Gene: PC (pyruvate carboxylase; minus strand). Cytogenetic location: 11q13.2.
Variant type: Duplication.
Coding change: c.1213_1216dup on transcript NM_001040716.2 (MANE Select); coding-DNA positions 1213 to 1216, 4 bases duplicated (ATCC; older notation c.1213_1216dupATCC).
Protein change: p.Arg406fs; shifts the reading frame from arginine 406.
Molecular consequence: frameshift variant.
Genome position (GRCh38, 1-based): chr11:66,863,926-66,863,929, GGAT duplicated on the plus strand (ATCC on the coding strand, the reverse complement: PC is on the minus strand); duplicating any 4 consecutive bases within chr11:66,863,926-66,863,930 gives the same sequence; the c. name uses the placement nearest the transcript's 3' end. VCF-style (leftmost placement, unchanged base first): chr11-66863925-C-CGGAT. GRCh37 (hg19) VCF-style: chr11-66631396-C-CGGAT.
Other names: c.1213_1216dup, p.Arg406fs (NM_000920.4, NM_001439352.1, NM_001439353.1 and 5 more transcripts); short protein forms R406fs.
Identifiers: ClinVar variation 5015725 (VCV005015725.1).
Genomic context (GRCh38, chr11:66,863,925, plus strand): 5'-AGCAGGGAGTCGTAGTGGGGCGAGATGACGGCTCCTTGGAAGGCGGAAGCATTATCCAGG[C>CGGAT]GGATGCCCATGCCCTCTCCGCTCCGGAACACCTGTGGGAAGGGTGAGGCGTGAGGACCTG-3'